The following is an entry in ClinVar:

NM_015166.4(MLC1):c.525+1G>T

Gene: MLC1 (modulator of VRAC current 1; minus strand). Cytogenetic location: 22q13.33.
Variant type: single nucleotide variant.
Coding change: c.525+1G>T on transcript NM_015166.4 (MANE Select); the canonical splice donor site of the intron after coding-DNA position 525, G replaced by T.
Molecular consequence: splice donor variant.
Genome position (GRCh38, 1-based): chr22:50,077,400, C>A on the plus strand (G>T on the coding strand, the complement: MLC1 is on the minus strand). VCF-style: chr22-50077400-C-A. GRCh37 (hg19) VCF-style: chr22-50515829-C-A.
Other names: c.525+1G>T (NM_001376474.1, NM_001376475.1, NM_001376476.1 and 6 more transcripts); c.288+1G>T (NM_001376484.1); c.435+1G>T (NM_001376480.1); c.369+1G>T (NM_001376482.1, NM_001376483.1); c.423+1G>T (NM_001376481.1).
Identifiers: ClinVar variation 4815816 (VCV004815816.1).

ClinVar aggregate classification (germline): Likely pathogenic (1 of 4 stars; one submission).

Conditions:
Megalencephalic leukoencephalopathy with subcortical cysts. Also called: VAN DER KNAAP DISEASE. Identifiers: Orphanet 2478, MedGen C1858854, MONDO:0011391.

Submission:

Natera, Inc.
Classification: Likely pathogenic for Megalencephalic leukoencephalopathy with subcortical cysts. Last evaluated: 2025-03-24. Review status: criteria provided, single submitter. Criteria: Natera Variant Classification Schema (03/2026). Collection method: clinical testing. Allele origin: germline.
Comment: The c.525+1G>T variant in MLC1 is a canonical splice donor site variant predicted to affect pre-mRNA splicing, which may result in an abnormal transcript and altered protein product. This variant is expected to result in nonsense mediated decay, truncation, or a dysfunctional protein product. This variant is rare in the general population with a frequency below the threshold expected for the associated phenotype(s). Given the available evidence, this variant is classified as Likely Pathogenic.